The following is an entry in ClinVar:

NM_000304.4(PMP22):c.134C>T (p.Ser45Phe)

Gene: PMP22 (peripheral myelin protein 22; minus strand). Cytogenetic location: 17p12.
Variant type: single nucleotide variant.
Coding change: c.134C>T on transcript NM_000304.4 (MANE Select); coding-DNA position 134, C replaced by T.
Protein change: p.Ser45Phe; replaces serine 45 with phenylalanine.
Molecular consequence: missense variant. On other transcripts: non-coding transcript variant (1).
Genome position (GRCh38, 1-based): chr17:15,259,138, G>A on the plus strand (C>T on the coding strand, the complement: PMP22 is on the minus strand). VCF-style: chr17-15259138-G-A. GRCh37 (hg19) VCF-style: chr17-15162455-G-A.
Other names: c.134C>T, p.Ser45Phe (NM_001281455.2, NM_001281456.2, NM_001330143.2 and 2 more transcripts); short protein forms S45F.
Identifiers: ClinVar variation 1024232 (VCV001024232.5), dbSNP rs1259742235, ClinGen allele CA398270896.
Genomic context (GRCh38, chr17:15,259,138, plus strand): 5'-ACAAAACCAGCCTCACCGTTTGGTGATGATGAGAAACAGTGGTGGACATTTCCTGAGGAA[G>A]AGGTGCTACAGTTCTGCCAGAGATCAGTTGCGTGTCCATTGCCCACGATCCATTGCTAGA-3'
Protein context (NP_000295.1, residues 35-55): ATDLWQNCST[Ser45Phe]SSGNVHHCFS

ClinVar aggregate classification (germline): Uncertain significance (1 of 4 stars; one submission).

Conditions:
Charcot-Marie-Tooth disease, type I (CMT1). Also called: Charcot-Marie-Tooth, Type 1; Charcot-Marie-Tooth disease type 1. Identifiers: Orphanet 65753, MedGen C0751036, MONDO:0019011.

Allele frequency attached by ClinVar (database versions not stated): gnomAD exomes below 0.00001 and 0.00001; gnomAD 0.00001.
gnomAD v4.1: 9 of 1,613,978 alleles (0.00056%); highest among the groups gnomAD compares: Non-Finnish European, 0.00076%; no homozygotes.

Submission:

Labcorp Genetics (formerly Invitae), Labcorp
Classification: Uncertain significance for Charcot-Marie-Tooth disease, type I. Last evaluated: 2022-11-22. Review status: criteria provided, single submitter. Criteria: Invitae Variant Classification Sherloc (09022015). Collection method: clinical testing. Allele origin: germline.
Comment: In summary, the available evidence is currently insufficient to determine the role of this variant in disease. Therefore, it has been classified as a Variant of Uncertain Significance. Advanced modeling of protein sequence and biophysical properties (such as structural, functional, and spatial information, amino acid conservation, physicochemical variation, residue mobility, and thermodynamic stability) performed at Invitae indicates that this missense variant is not expected to disrupt PMP22 protein function. ClinVar contains an entry for this variant (Variation ID: 1024232). This variant has not been reported in the literature in individuals affected with PMP22-related conditions. This variant is present in population databases (no rsID available, gnomAD no frequency). This sequence change replaces serine, which is neutral and polar, with phenylalanine, which is neutral and non-polar, at codon 45 of the PMP22 protein (p.Ser45Phe).